The following is an entry in ClinVar:

NM_017415.3(KLHL3):c.254A>C (p.Glu85Ala)

Gene: KLHL3 (kelch like family member 3; minus strand). Cytogenetic location: 5q31.2.
Variant type: single nucleotide variant.
Coding change: c.254A>C on transcript NM_017415.3 (MANE Select); coding-DNA position 254, A replaced by C.
Protein change: p.Glu85Ala; replaces glutamic acid 85 with alanine.
Molecular consequence: missense variant.
Genome position (GRCh38, 1-based): chr5:137,698,396, T>G on the plus strand (A>C on the coding strand, the complement: KLHL3 is on the minus strand). VCF-style: chr5-137698396-T-G. GRCh37 (hg19) VCF-style: chr5-137034085-T-G.
Other names: c.158A>C, p.Glu53Ala (NM_001257194.1); c.8A>C, p.Glu3Ala (NM_001257195.2); short protein forms E85A, E3A, E53A.
Identifiers: ClinVar variation 100534 (VCV000100534.3), dbSNP rs199469625, ClinGen allele CA269975.

ClinVar aggregate classification (germline): Pathogenic (0 of 4 stars; one submission).

Conditions:
Pseudohypoaldosteronism type 2A (PHA2A). Also called: GORDON HYPERKALEMIA-HYPERTENSION SYNDROME; HYPERTENSIVE HYPERKALEMIA, FAMILIAL. Identifiers: Orphanet 757, Orphanet 88938, MedGen C1840389, MONDO:0007772, OMIM 145260.

Submission:

Richard Lifton Laboratory, Yale University School of Medicine
Classification: Pathogenic for Pseudohypoaldosteronism, type 2. Review status: no assertion criteria provided. Collection method: not provided. Allele origin: germline.
Comment: dominant;BTB domain
ClinVar note: Converted during submission from pathogenic to Pathogenic.